The following is an entry in ClinVar:

NM_020774.4(MIB1):c.1952T>A (p.Leu651Ter)

Gene: MIB1 (MIB E3 ubiquitin protein ligase 1; plus strand). Cytogenetic location: 18q11.2.
Variant type: single nucleotide variant.
Coding change: c.1952T>A on transcript NM_020774.4 (MANE Select); coding-DNA position 1952, T replaced by A.
Protein change: p.Leu651Ter; replaces leucine 651 with a stop codon.
Molecular consequence: nonsense.
Genome position (GRCh38, 1-based): chr18:21,838,487, T>A. VCF-style: chr18-21838487-T-A. GRCh37 (hg19) VCF-style: chr18-19418448-T-A.
Other names: short protein forms L651*.
Identifiers: ClinVar variation 1310367 (VCV001310367.2), dbSNP rs201349172, ClinGen allele CA8908459.
Genomic context (GRCh38, chr18:21,838,487, plus strand): 5'-ATGGTTATACTGCCTTACATCTGGCTGCCCTTAATAATCACGTAGAAGTGGCTGAACTGT[T>A]GGTACATCAGGTAAGAAAAGAGTTAAATAATTCCCTCTTTTTTATTTTTTTTTAAACAAT-3'

ClinVar aggregate classification (germline): Uncertain significance (1 of 4 stars; one submission).

Allele frequency attached by ClinVar (database versions not stated): ExAC 0.00001; gnomAD 0.00001; 1000 Genomes Project 0.00020; 1000 Genomes Project 30x 0.00031.
gnomAD v4.1: 1 of 1,600,738 alleles (0.000062%); highest among the groups gnomAD compares: Admixed American, 0.0017%; no homozygotes.

Submission:

GeneDx
Classification: Uncertain significance. Last evaluated: 2019-11-11. Review status: criteria provided, single submitter. Criteria: GeneDx Variant Classification Process June 2021. Collection method: clinical testing. Allele origin: germline. Affected: yes.
Comment: Not observed in large population cohorts (Lek et al., 2016); Frameshift variant predicted to result in protein truncation where the last 11 amino acids are lost and replaced with 4 incorrect amino acids; in the absence of functional studies, the physiological consequence of the c.2986dupC variant cannot be precisely determined; Has not been previously published as pathogenic or benign to our knowledge